The following is an entry in ClinVar:

ClinVar aggregate classification (germline): Conflicting classifications of pathogenicity. Review status: criteria provided, conflicting classifications (1 of 4 stars). 4 submissions from 4 submitters: Uncertain significance (2); Benign (2). Last evaluated 2025-03-25.

Conditions:
Aortic aneurysm, familial thoracic 7 (AAT7). Also called: AORTIC DISSECTION, FAMILIAL, WITH OR WITHOUT AORTIC ANEURYSM. Identifiers: MedGen C3151077, MONDO:0013418, OMIM 613780.
Familial thoracic aortic aneurysm and aortic dissection (TAAD). Also called: Thoracic aortic aneurysms and dissections. Identifiers: Orphanet 91387, MedGen C4707243, MONDO:0019625.

Allele frequency attached by ClinVar (database versions not stated): gnomAD 0.00001 and 0.00002; TOPMed 0.00001; gnomAD exomes 0.00003 and 0.00008; ExAC 0.00011.
gnomAD v4.1: 54 of 1,612,408 alleles (0.0033%); highest among the groups gnomAD compares: South Asian, 0.048%; 1 homozygote.

Submissions (4):

Ambry Genetics
Classification: Uncertain significance for Familial thoracic aortic aneurysm and aortic dissection. Last evaluated: 2025-03-25. Review status: criteria provided, single submitter. Criteria: Ambry Variant Classification Scheme 2023. Collection method: clinical testing. Allele origin: germline.
Comment: The p.D1070G variant (also known as c.3209A>G), located in coding exon 15 of the MYLK gene, results from an A to G substitution at nucleotide position 3209. The aspartic acid at codon 1070 is replaced by glycine, an amino acid with similar properties. This amino acid position is conserved. In addition, this alteration is predicted to be tolerated by in silico analysis. Based on the available evidence, the clinical significance of this variant remains unclear.

Labcorp Genetics (formerly Invitae), Labcorp
Classification: Uncertain significance for Aortic aneurysm, familial thoracic 7. Last evaluated: 2024-11-15. Review status: criteria provided, single submitter. Criteria: Invitae Variant Classification Sherloc (09022015). Collection method: clinical testing. Allele origin: germline.
Comment: This sequence change replaces aspartic acid, which is acidic and polar, with glycine, which is neutral and non-polar, at codon 1070 of the MYLK protein (p.Asp1070Gly). This variant is present in population databases (rs751450529, gnomAD 0.07%). This variant has not been reported in the literature in individuals affected with MYLK-related conditions. ClinVar contains an entry for this variant (Variation ID: 1098773). Invitae Evidence Modeling of protein sequence and biophysical properties (such as structural, functional, and spatial information, amino acid conservation, physicochemical variation, residue mobility, and thermodynamic stability) indicates that this missense variant is not expected to disrupt MYLK protein function with a negative predictive value of 80%. In summary, the available evidence is currently insufficient to determine the role of this variant in disease. Therefore, it has been classified as a Variant of Uncertain Significance.

Women's Health and Genetics/Laboratory Corporation of America, LabCorp
Classification: Benign. Last evaluated: 2021-05-17. Review status: criteria provided, single submitter. Criteria: LabCorp Variant Classification Summary - May 2015. Collection method: clinical testing. Allele origin: germline.
Comment: Variant summary: MYLK c.3209A>G (p.Asp1070Gly) results in a non-conservative amino acid change in the encoded protein sequence. Three of five in-silico tools predict a benign effect of the variant on protein function. The variant allele was found at a frequency of 8.4e-05 in 251398 control chromosomes, predominantly at a frequency of 0.00069 within the South Asian subpopulation in the gnomAD database. The observed variant frequency within South Asian control individuals in the gnomAD database is approximately 14- fold the estimated maximal expected allele frequency for a pathogenic variant in MYLK causing Thoracic Aortic Aneurysms And Dissections phenotype (5e-05), strongly suggesting that the variant is a benign polymorphism found primarily in populations of South Asian origin. To our knowledge, no occurrence of c.3209A>G in individuals affected with Thoracic Aortic Aneurysms And Dissections and no experimental evidence demonstrating its impact on protein function have been reported. No clinical diagnostic laboratories have submitted clinical-significance assessments for this variant to ClinVar after 2014. Based on the evidence outlined above, the variant was classified as benign.

Breakthrough Genomics
Classification: Benign. Review status: criteria provided, single submitter. Criteria: ACMG Guidelines, 2015. Collection method: not provided. Allele origin: germline. Inheritance: Autosomal recessive inheritance. Affected: yes.

NM_053025.4(MYLK):c.3209A>G (p.Asp1070Gly)

Gene: MYLK (myosin light chain kinase; minus strand). Cytogenetic location: 3q21.1.
Variant type: single nucleotide variant.
Coding change: c.3209A>G on transcript NM_053025.4 (MANE Select); coding-DNA position 3209, A replaced by G.
Protein change: p.Asp1070Gly; replaces aspartic acid 1070 with glycine.
Molecular consequence: missense variant.
Genome position (GRCh38, 1-based): chr3:123,700,259, T>C on the plus strand (A>G on the coding strand, the complement: MYLK is on the minus strand). VCF-style: chr3-123700259-T-C. GRCh37 (hg19) VCF-style: chr3-123419106-T-C.
Other names: c.2681A>G, p.Asp894Gly (NM_001321309.2); c.3002A>G, p.Asp1001Gly (NM_053026.4, NM_053028.4); c.3209A>G, p.Asp1070Gly (NM_053027.4); short protein forms D1001G, D1070G, D894G.
Identifiers: ClinVar variation 1098773 (VCV001098773.5), dbSNP rs751450529, ClinGen allele CA069445.